The following is an entry in ClinVar:

NM_005548.3(KARS1):c.222+10C>T

Gene: KARS1 (lysyl-tRNA synthetase 1; minus strand). Cytogenetic location: 16q23.1.
Variant type: single nucleotide variant.
Coding change: c.222+10C>T on transcript NM_005548.3 (MANE Select); 10 bases into the intron after coding-DNA position 222, C replaced by T.
Molecular consequence: intron variant.
Genome position (GRCh38, 1-based): chr16:75,641,554, G>A on the plus strand (C>T on the coding strand, the complement: KARS1 is on the minus strand). VCF-style: chr16-75641554-G-A. GRCh37 (hg19) VCF-style: chr16-75675452-G-A.
Other names: c.306+10C>T (NM_001130089.2); c.-247+10C>T (NM_001378148.1).
Identifiers: ClinVar variation 320639 (VCV000320639.11), dbSNP rs374496494, ClinGen allele CA8177716.

ClinVar aggregate classification (germline): Conflicting classifications of pathogenicity. Review status: criteria provided, conflicting classifications (1 of 4 stars). 6 submissions from 6 submitters: Uncertain significance (1); Likely benign (3). 2 of the submissions do not count toward it. Last evaluated 2026-02-16.

Allele frequency attached by ClinVar (database versions not stated): ExAC 0.00002; TOPMed 0.00007; ESP Exome Variant Server 0.00008; gnomAD 0.00010.
gnomAD v4.1: 100 of 1,611,964 alleles (0.0062%); highest among the groups gnomAD compares: Non-Finnish European, 0.0079%; no homozygotes.

Submissions (6):

Women's Health and Genetics/Laboratory Corporation of America, LabCorp
Classification: Likely benign. Last evaluated: 2026-02-16. Review status: criteria provided, single submitter. Criteria: LabCorp Variant Classification Summary - May 2015. Collection method: clinical testing. Allele origin: germline.
Comment: Variant summary: KARS1 c.306+10C>T alters a nucleotide located at a position not widely known to affect splicing. Consensus agreement among computation tools predict no significant impact on normal splicing. However, these predictions have yet to be confirmed by functional studies. The variant allele was found at a frequency of 3.6e-05 in 280692 control chromosomes. This frequency is not significantly higher than estimated for disease-causing variants in KARS1, allowing no conclusion about variant significance. To our knowledge, no occurrence of c.306+10C>T in individuals affected with KARS1-related conditions and no experimental evidence demonstrating its impact on protein function have been reported. ClinVar contains an entry for this variant (Variation ID: 320639). Based on the evidence outlined above, the variant was classified as likely benign.

Labcorp Genetics (formerly Invitae), Labcorp
Classification: Likely benign. Last evaluated: 2024-10-15. Review status: criteria provided, single submitter. Criteria: Invitae Variant Classification Sherloc (09022015). Collection method: clinical testing. Allele origin: germline.

Revvity Omics, Revvity
Classification: Uncertain significance. Last evaluated: 2020-10-07. Review status: criteria provided, single submitter. Criteria: ACMG Guidelines, 2015. Collection method: clinical testing. Allele origin: germline.

GeneDx
Classification: Likely benign. Last evaluated: 2018-05-03. Review status: criteria provided, single submitter. Criteria: GeneDx Variant Classification (06012015). Collection method: clinical testing. Allele origin: germline. Affected: yes.
Comment: This variant is considered likely benign or benign based on one or more of the following criteria: it is a conservative change, it occurs at a poorly conserved position in the protein, it is predicted to be benign by multiple in silico algorithms, and/or has population frequency not consistent with disease.

Clinical Genetics DNA and cytogenetics Diagnostics Lab, Erasmus MC, Erasmus Medical Center
Classification: Likely benign. Review status: no assertion criteria provided. Collection method: clinical testing. Allele origin: germline. Affected: yes. Study: VKGL Data-share Consensus. Not counted in ClinVar's aggregate classification.

Genome Diagnostics Laboratory, University Medical Center Utrecht
Classification: Likely benign. Review status: no assertion criteria provided. Collection method: clinical testing. Allele origin: germline. Affected: yes. Study: VKGL Data-share Consensus. Not counted in ClinVar's aggregate classification.